The following is an entry in ClinVar:

ClinVar aggregate classification (germline): Uncertain significance (1 of 4 stars; one submission).

Conditions:
Hereditary breast ovarian cancer syndrome. Also called: Hereditary breast and ovarian cancer syndrome; Breast and ovarian cancer; Hereditary breast and ovarian cancer syndrome (HBOC); Hereditary breast and ovarian cancer; BRCA1- and BRCA2-Associated Hereditary Breast and Ovarian Cancer; Hereditary breast and/or ovarian cancer syndrome. Identifiers: Orphanet 145, MedGen C0677776, MeSH D061325, MONDO:0003582. Disease mechanism: loss of function.

Submission:

Labcorp Genetics (formerly Invitae), Labcorp
Classification: Uncertain significance for Hereditary breast ovarian cancer syndrome. Last evaluated: 2025-01-17. Review status: criteria provided, single submitter. Criteria: Invitae Variant Classification Sherloc (09022015). Collection method: clinical testing. Allele origin: germline.
Comment: This sequence change replaces proline, which is neutral and non-polar, with serine, which is neutral and polar, at codon 1519 of the BRCA2 protein (p.Pro1519Ser). This variant is not present in population databases (gnomAD no frequency). This variant has not been reported in the literature in individuals affected with BRCA2-related conditions. Invitae Evidence Modeling of protein sequence and biophysical properties (such as structural, functional, and spatial information, amino acid conservation, physicochemical variation, residue mobility, and thermodynamic stability) indicates that this missense variant is not expected to disrupt BRCA2 protein function with a negative predictive value of 95%. In summary, the available evidence is currently insufficient to determine the role of this variant in disease. Therefore, it has been classified as a Variant of Uncertain Significance.

NM_000059.4(BRCA2):c.4555C>T (p.Pro1519Ser)

Gene: BRCA2 (BRCA2 DNA repair associated; plus strand). Cytogenetic location: 13q13.1.
Variant type: single nucleotide variant.
Coding change: c.4555C>T on transcript NM_000059.4 (MANE Select); coding-DNA position 4555, C replaced by T.
Protein change: p.Pro1519Ser; replaces proline 1519 with serine.
Molecular consequence: missense variant. On other transcripts: non-coding transcript variant (1), intron variant (2).
Genome position (GRCh38, 1-based): chr13:32,338,910, C>T. VCF-style: chr13-32338910-C-T. GRCh37 (hg19) VCF-style: chr13-32913047-C-T.
Other names: c.4555C>T, p.Pro1519Ser (NM_001406719.1, NM_001406720.1, NM_001432077.1); c.1909+5523C>T (NM_001406721.1); c.425-5648C>T (NM_001406722.1); short protein forms P1519S.
Identifiers: ClinVar variation 3615590 (VCV003615590.2).